The following is an entry in ClinVar:

GRCh37/hg19 16p13.3(chr16:5129043-5129828)

Gene: ALG1 (ALG1 chitobiosyldiphosphodolichol beta-mannosyltransferase; plus strand). Cytogenetic location: 16p13.3.
Variant type: copy number loss.
Identifiers: ClinVar variation 1179118 (VCV001179118.2).

ClinVar aggregate classification (germline): Pathogenic (0 of 4 stars; one submission).

Conditions:
ALG1-congenital disorder of glycosylation. Also called: CONGENITAL DISORDER OF GLYCOSYLATION, TYPE Ik; ALG1-CDG; CDG Ik. Identifiers: Orphanet 79327, MedGen C2931005, MONDO:0012052, OMIM 608540.

Submission:

Fulgent Genetics
Classification: Pathogenic for ALG1-congenital disorder of glycosylation. Review status: no assertion criteria provided. Collection method: clinical testing. Allele origin: unknown.
Comment: This variant has been detected in individual(s) who were sent for testing of Renasight - kidney gene panel.